The following is an entry in ClinVar:

NM_006005.3(WFS1):c.1726G>A (p.Gly576Ser)

Gene: WFS1 (wolframin ER transmembrane glycoprotein; plus strand). Cytogenetic location: 4p16.1.
Variant type: single nucleotide variant.
Coding change: c.1726G>A on transcript NM_006005.3 (MANE Select); coding-DNA position 1726, G replaced by A.
Protein change: p.Gly576Ser; replaces glycine 576 with serine.
Molecular consequence: missense variant.
Genome position (GRCh38, 1-based): chr4:6,301,521, G>A. VCF-style: chr4-6301521-G-A. GRCh37 (hg19) VCF-style: chr4-6303248-G-A.
Other names: p.G576S:GGC>AGC; c.1726G>A, p.Gly576Ser (NM_001145853.1); short protein forms G576S.
Identifiers: ClinVar variation 45439 (VCV000045439.43), dbSNP rs1805069, ClinGen allele CA282576.

ClinVar aggregate classification (germline): Conflicting classifications of pathogenicity. Review status: criteria provided, conflicting classifications (1 of 4 stars). 14 submissions from 13 submitters: Uncertain risk allele (1); Benign (8); Likely benign (3). 2 of the submissions do not count toward it. Last evaluated 2026-02-02.

Conditions:
Monogenic diabetes. Identifiers: Orphanet 183625, MedGen C3888631, MONDO:0015967.
WFS1-Related Spectrum Disorders.
Wolfram syndrome 1 (WFS1). Identifiers: Orphanet 3463, MedGen C4551693, MONDO:0009101, OMIM 222300.
Autosomal dominant nonsyndromic hearing loss 6 (LFSNHL). Also called: DEAFNESS, AUTOSOMAL DOMINANT 6; DEAFNESS, AUTOSOMAL DOMINANT 14; DEAFNESS, AUTOSOMAL DOMINANT 38; Autosomal dominant nonsyndromic deafness 6. Identifiers: Orphanet 90635, MedGen C1833021, MONDO:0010963, OMIM 600965.

Allele frequency attached by ClinVar (database versions not stated): ESP Exome Variant Server 0.00646; gnomAD 0.01068; TOPMed 0.01433; 1000 Genomes Project 30x 0.02124; 1000 Genomes Project 0.02236.
gnomAD v4.1: 7,463 of 1,613,806 alleles (0.46%); highest among the groups gnomAD compares: East Asian, 8.6%; 213 homozygotes.

Submissions (14):

Labcorp Genetics (formerly Invitae), Labcorp
Classification: Benign. Last evaluated: 2026-02-02. Review status: criteria provided, single submitter. Criteria: Invitae Variant Classification Sherloc (09022015). Collection method: clinical testing. Allele origin: germline.

ARUP Laboratories, Molecular Genetics and Genomics, ARUP Laboratories
Classification: Benign. Last evaluated: 2025-07-30. Review status: criteria provided, single submitter. Criteria: ARUP Molecular Germline Variant Investigation Process 2024. Collection method: clinical testing. Allele origin: germline.

Blueprint Genetics
Classification: Benign. Last evaluated: 2024-11-23. Review status: criteria provided, single submitter. Criteria: ACMG Guidelines, 2015. Collection method: clinical testing. Allele origin: germline.

Personalized Diabetes Medicine Program, University of Maryland School of Medicine
Classification: Benign for Monogenic diabetes. Last evaluated: 2019-02-08. Review status: criteria provided, single submitter. Criteria: ACMG Guidelines, 2015. Collection method: research. Allele origin: unknown. Observed: 6 variant alleles, 6 heterozygotes.
Comment: ACMG criteria: BA1 (6.7% in gnomAD SA, 2.3% in gnomAD African), BS2 (62 homozygotes in gnomAD)=Benign (REVEL 0.534 + precictor evidence not consistent, not using)

Illumina Laboratory Services, Illumina
Classification: Likely benign for Autosomal dominant nonsyndromic hearing loss 6. Last evaluated: 2017-04-27. Review status: criteria provided, single submitter. Criteria: ICSL Variant Classification Criteria 13 December 2019. Collection method: clinical testing. Allele origin: germline.
Comment: This variant was observed as part of a predisposition screen in an ostensibly healthy population. A literature search was performed for the gene, cDNA change, and amino acid change (where applicable). No publications were found based on this search. Allele frequency data from public databases allowed determination this variant is unlikely to cause disease. Therefore, this variant is classified as likely benign.

Illumina Laboratory Services, Illumina
Classification: Likely benign for WFS1-Related Spectrum Disorders. Last evaluated: 2017-04-27. Review status: criteria provided, single submitter. Criteria: ICSL Variant Classification Criteria 13 December 2019. Collection method: clinical testing. Allele origin: germline.
Comment: This variant was observed as part of a predisposition screen in an ostensibly healthy population. A literature search was performed for the gene, cDNA change, and amino acid change (where applicable). Publications were found based on this search. The evidence from the literature, in combination with allele frequency data from public databases where available, was sufficient to determine this variant is unlikely to cause disease. Therefore, this variant is classified as likely benign.

Eurofins Ntd Llc (ga)
Classification: Benign. Last evaluated: 2015-07-23. Review status: criteria provided, single submitter. Criteria: EGL Classification Definitions 2015. Collection method: clinical testing. Allele origin: germline. Observed: 1 variant allele, 1 heterozygote.

Genetic Services Laboratory, University of Chicago
Classification: Benign for AllHighlyPenetrant. Last evaluated: 2013-11-06. Review status: criteria provided, single submitter. Criteria: ACMG Guidelines, 2007. Collection method: clinical testing. Allele origin: germline. Inheritance: Autosomal recessive inheritance.

GeneDx
Classification: Benign. Last evaluated: 2013-10-04. Review status: criteria provided, single submitter. Criteria: GeneDx Variant Classification (06012015). Collection method: clinical testing. Allele origin: germline. Affected: yes.
Comment: This variant is considered likely benign or benign based on one or more of the following criteria: it is a conservative change, it occurs at a poorly conserved position in the protein, it is predicted to be benign by multiple in silico algorithms, and/or has population frequency not consistent with disease.

Laboratory for Molecular Medicine, Mass General Brigham Personalized Medicine
Classification: Benign. Last evaluated: 2012-05-07. Review status: criteria provided, single submitter. Criteria: LMM Criteria. Collection method: clinical testing. Allele origin: germline. Observed: 27 variant alleles.
Comment: Gly576Ser in Exon 08 of WFS1: This variant is not expected to have clinical sign ificance because it has been identified in 1.9% (72/3738) of African American ch romosomes from a broad population by the NHLBI Exome Sequencing Project (dbSNP rs1805069).

Breakthrough Genomics
Classification: Likely benign. Review status: criteria provided, single submitter. Criteria: ACMG Guidelines, 2015. Collection method: not provided. Allele origin: germline. Inheritance: Autosomal recessive inheritance. Affected: yes.

Clinical Genomics, Uppaluri K&H Personalized Medicine Clinic
Classification: Uncertain risk allele for Wolfram syndrome 1. Review status: criteria provided, single submitter. Criteria: K & H Uppaluri Personalized Medicine Clinic Variant Classification & Assertion Criteria_Updated V.1. Collection method: research. Allele origin: unknown. Inheritance: Autosomal dominant inheritance.
Comment: Potent mutations in WFS1 gene are associated with Wolfram's syndrome, an autosomal recessive condition, which cause diabetes mellitus, diabetes insipidus, deafness and optic atrophy.However no sufficient evidence is found to ascertain the role of this particular variant rs1805069 yet.

Joint Genome Diagnostic Labs from Nijmegen and Maastricht, Radboudumc and MUMC+
Classification: Benign. Review status: no assertion criteria provided. Collection method: clinical testing. Allele origin: germline. Affected: yes. Study: VKGL Data-share Consensus. Not counted in ClinVar's aggregate classification.

Laboratory of Diagnostic Genome Analysis, Leiden University Medical Center (LUMC)
Classification: Likely benign. Review status: no assertion criteria provided. Collection method: clinical testing. Allele origin: germline. Affected: yes. Study: VKGL Data-share Consensus. Not counted in ClinVar's aggregate classification.

Literature cited by the submitters: PubMed 12565131 (cited by Illumina Laboratory Services, Illumina); PubMed 20738327 (cited by Clinical Genomics, Uppaluri K&H Personalized Medicine Clinic); PubMed 33879153 (cited by Clinical Genomics, Uppaluri K&H Personalized Medicine Clinic); PubMed 12955714 (cited by Clinical Genomics, Uppaluri K&H Personalized Medicine Clinic); PubMed 18060660 (cited by Clinical Genomics, Uppaluri K&H Personalized Medicine Clinic); PubMed 20301750 (cited by Clinical Genomics, Uppaluri K&H Personalized Medicine Clinic); PubMed 17603484 (cited by Clinical Genomics, Uppaluri K&H Personalized Medicine Clinic).